The following is an entry in ClinVar:

NM_020223.4(FAM20C):c.304C>A (p.Leu102Ile)

Gene: FAM20C (FAM20C golgi associated secretory pathway kinase; plus strand). Cytogenetic location: 7p22.3.
Variant type: single nucleotide variant.
Coding change: c.304C>A on transcript NM_020223.4 (MANE Select); coding-DNA position 304, C replaced by A.
Protein change: p.Leu102Ile; replaces leucine 102 with isoleucine.
Molecular consequence: missense variant.
Genome position (GRCh38, 1-based): chr7:193,503, C>A. VCF-style: chr7-193503-C-A. GRCh37 (hg19) VCF-style: chr7-193503-C-A.
Other names: c.304C>A (NM_020223.2); short protein forms L102I.
Identifiers: ClinVar variation 970943 (VCV000970943.6), dbSNP rs767408183, ClinGen allele CA4108897.

ClinVar aggregate classification (germline): Uncertain significance. Review status: criteria provided, multiple submitters, no conflicts (2 of 4 stars). 3 submissions from 3 submitters: Uncertain significance (2). 1 of the submissions does not count toward it. Last evaluated 2022-09-23.

Conditions:
Inborn genetic diseases. Identifiers: MedGen C0950123, MeSH D030342.
FAM20C-related disorder. Also called: FAM20C-related condition.

Allele frequency attached by ClinVar (database versions not stated): 1000 Genomes Project 30x 0.00016; gnomAD exomes 0.00029; TOPMed 0.00034; gnomAD 0.00040 and 0.00044; ExAC 0.00046.
gnomAD v4.1: 506 of 1,503,758 alleles (0.034%); highest among the groups gnomAD compares: Non-Finnish European, 0.041%; no homozygotes.

Submissions (3):

Labcorp Genetics (formerly Invitae), Labcorp
Classification: Uncertain significance. Last evaluated: 2022-09-23. Review status: criteria provided, single submitter. Criteria: Invitae Variant Classification Sherloc (09022015). Collection method: clinical testing. Allele origin: germline.
Comment: This sequence change replaces leucine, which is neutral and non-polar, with isoleucine, which is neutral and non-polar, at codon 102 of the FAM20C protein (p.Leu102Ile). This variant is present in population databases (rs767408183, gnomAD 0.07%). This variant has not been reported in the literature in individuals affected with FAM20C-related conditions. ClinVar contains an entry for this variant (Variation ID: 970943). Algorithms developed to predict the effect of missense changes on protein structure and function are either unavailable or do not agree on the potential impact of this missense change (SIFT: "Deleterious"; PolyPhen-2: "Benign"; Align-GVGD: "Class C0"). In summary, the available evidence is currently insufficient to determine the role of this variant in disease. Therefore, it has been classified as a Variant of Uncertain Significance.

Ambry Genetics
Classification: Uncertain significance for Inborn genetic diseases. Last evaluated: 2022-06-08. Review status: criteria provided, single submitter. Criteria: Ambry Variant Classification Scheme 2023. Collection method: clinical testing. Allele origin: germline.
Comment: The c.304C>A (p.L102I) alteration is located in exon 1 (coding exon 1) of the FAM20C gene. This alteration results from a C to A substitution at nucleotide position 304, causing the leucine (L) at amino acid position 102 to be replaced by an isoleucine (I). The p.L102I alteration is predicted to be tolerated by in silico analysis. Based on insufficient or conflicting evidence, the clinical significance of this alteration remains unclear.

PreventionGenetics, part of Exact Sciences
Classification: Uncertain significance for FAM20C-related condition. Last evaluated: 2024-09-19. Review status: no assertion criteria provided. Collection method: clinical testing. Allele origin: germline. Not counted in ClinVar's aggregate classification.
Comment: The FAM20C c.304C>A variant is predicted to result in the amino acid substitution p.Leu102Ile. This variant was reported in an individual with hypophosphatemia (Supplemental Table 2 in Rush et al. 2022. PubMed ID: 34633109). This variant is reported in 0.083% of alleles in individuals of European (Non-Finnish) descent in gnomAD, which is likely too frequent for a disease-associated variant. Although we suspect that this variant may be benign, at this time, the clinical significance of this variant is uncertain due to the absence of conclusive functional and genetic evidence.